The following is an entry in ClinVar:

NM_017838.4(NHP2):c.17C>T (p.Ala6Val)

Gene: NHP2 (NHP2 ribonucleoprotein; minus strand). Cytogenetic location: 5q35.3.
Variant type: single nucleotide variant.
Coding change: c.17C>T on transcript NM_017838.4 (MANE Select); coding-DNA position 17, C replaced by T.
Protein change: p.Ala6Val; replaces alanine 6 with valine.
Molecular consequence: missense variant.
Genome position (GRCh38, 1-based): chr5:178,153,801, G>A on the plus strand (C>T on the coding strand, the complement: NHP2 is on the minus strand). VCF-style: chr5-178153801-G-A. GRCh37 (hg19) VCF-style: chr5-177580802-G-A.
Other names: c.17C>T, p.Ala6Val (NM_001034833.2, NM_001396110.1); short protein forms A6V.
Identifiers: ClinVar variation 2755678 (VCV002755678.3), dbSNP rs1211703130, ClinGen allele CA362393205.

ClinVar aggregate classification (germline): Uncertain significance (1 of 4 stars; one submission).

Conditions:
Dyskeratosis congenita. Identifiers: Orphanet 1775, MedGen C0265965, MONDO:0015780.

Allele frequency attached by ClinVar (database versions not stated): gnomAD 0.00001; gnomAD exomes 0.00001.
gnomAD v4.1: 8 of 1,610,782 alleles (0.0005%); highest among the groups gnomAD compares: South Asian, 0.0022%; no homozygotes.

Submission:

Labcorp Genetics (formerly Invitae), Labcorp
Classification: Uncertain significance for Dyskeratosis congenita. Last evaluated: 2023-07-19. Review status: criteria provided, single submitter. Criteria: Invitae Variant Classification Sherloc (09022015). Collection method: clinical testing. Allele origin: germline.
Comment: This variant has not been reported in the literature in individuals affected with NHP2-related conditions. An algorithm developed to predict the effect of missense changes on protein structure and function (PolyPhen-2) suggests that this variant is likely to be tolerated. In summary, the available evidence is currently insufficient to determine the role of this variant in disease. Therefore, it has been classified as a Variant of Uncertain Significance. The frequency data for this variant in the population databases is considered unreliable, as metrics indicate poor data quality at this position in the gnomAD database. This sequence change replaces alanine, which is neutral and non-polar, with valine, which is neutral and non-polar, at codon 6 of the NHP2 protein (p.Ala6Val).